The following is an entry in ClinVar:

ClinVar aggregate classification (germline): Uncertain significance (1 of 4 stars; one submission).

Conditions:
Cortical dysplasia-focal epilepsy syndrome (PTHSL1). Also called: Pitt-Hopkins-like syndrome 1. Identifiers: Orphanet 163681, Orphanet 221150, MedGen C2750246, MONDO:0012400, OMIM 610042.

Allele frequency attached by ClinVar (database versions not stated): gnomAD 0.00001; TOPMed 0.00001.
gnomAD v4.1: 61 of 1,613,736 alleles (0.0038%); highest among the groups gnomAD compares: Non-Finnish European, 0.0052%; no homozygotes.

Submission:

Labcorp Genetics (formerly Invitae), Labcorp
Classification: Uncertain significance for Cortical dysplasia-focal epilepsy syndrome. Last evaluated: 2024-08-12. Review status: criteria provided, single submitter. Criteria: Invitae Variant Classification Sherloc (09022015). Collection method: clinical testing. Allele origin: germline.
Comment: This sequence change replaces proline, which is neutral and non-polar, with leucine, which is neutral and non-polar, at codon 358 of the CNTNAP2 protein (p.Pro358Leu). This variant is not present in population databases (gnomAD no frequency). This variant has not been reported in the literature in individuals affected with CNTNAP2-related conditions. ClinVar contains an entry for this variant (Variation ID: 934751). An algorithm developed to predict the effect of missense changes on protein structure and function (PolyPhen-2) suggests that this variant¬†is likely to be tolerated. In summary, the available evidence is currently insufficient to determine the role of this variant in disease. Therefore, it has been classified as a Variant of Uncertain Significance.

NM_014141.6(CNTNAP2):c.1073C>T (p.Pro358Leu)

Gene: CNTNAP2 (contactin associated protein 2; plus strand). Cytogenetic location: 7q35.
Variant type: single nucleotide variant.
Coding change: c.1073C>T on transcript NM_014141.6 (MANE Select); coding-DNA position 1073, C replaced by T.
Protein change: p.Pro358Leu; replaces proline 358 with leucine.
Molecular consequence: missense variant.
Genome position (GRCh38, 1-based): chr7:147,128,826, C>T. VCF-style: chr7-147128826-C-T. GRCh37 (hg19) VCF-style: chr7-146825918-C-T.
Other names: short protein forms P358L.
Identifiers: ClinVar variation 934751 (VCV000934751.8), dbSNP rs760416207, ClinGen allele CA168690439.